The following is an entry in ClinVar:

ClinVar aggregate classification (germline): Uncertain significance (1 of 4 stars; one submission).

Conditions:
DICER1-related tumor predisposition. Also called: DICER1-related pleuropulmonary blastoma cancer predisposition syndrome; DICER1 syndrome. Identifiers: Orphanet 284343, MedGen C3839822, MONDO:0100216.

Submission:

Labcorp Genetics (formerly Invitae), Labcorp
Classification: Uncertain significance for DICER1-related tumor predisposition. Last evaluated: 2017-11-08. Review status: criteria provided, single submitter. Criteria: Invitae Variant Classification Sherloc (09022015). Collection method: clinical testing. Allele origin: germline.
Comment: In summary, the available evidence is currently insufficient to determine the role of this variant in disease. Therefore, it has been classified as a Variant of Uncertain Significance. Algorithms developed to predict the effect of missense changes on protein structure and function do not agree on the potential impact of this missense change (SIFT: "Tolerated"; PolyPhen-2: "Probably Damaging"; Align-GVGD: "Class C0"). This variant has not been reported in the literature in individuals with DICER1-related disease. This variant is not present in population databases (ExAC no frequency). This sequence change replaces proline with glutamine at codon 682 of the DICER1 protein (p.Pro682Gln). The proline residue is highly conserved and there is a moderate physicochemical difference between proline and glutamine.

NM_177438.3(DICER1):c.2045C>A (p.Pro682Gln)

Gene: DICER1 (dicer 1, ribonuclease III; minus strand). Cytogenetic location: 14q32.13.
Variant type: single nucleotide variant.
Coding change: c.2045C>A on transcript NM_177438.3 (MANE Select); coding-DNA position 2045, C replaced by A.
Protein change: p.Pro682Gln; replaces proline 682 with glutamine.
Molecular consequence: missense variant.
Genome position (GRCh38, 1-based): chr14:95,112,243, G>T on the plus strand (C>A on the coding strand, the complement: DICER1 is on the minus strand). VCF-style: chr14-95112243-G-T. GRCh37 (hg19) VCF-style: chr14-95578580-G-T.
Other names: c.2045C>A, p.Pro682Gln (NM_001195573.1, NM_001271282.3, NM_001291628.2 and 1 more transcripts); short protein forms P682Q.
Identifiers: ClinVar variation 543568 (VCV000543568.10), dbSNP rs752621393, ClinGen allele CA390883136.